The following is an entry in ClinVar:

NM_000342.4(SLC4A1):c.876+1G>C

Gene: SLC4A1 (solute carrier family 4 member 1 (Diego blood group); minus strand). Cytogenetic location: 17q21.31.
Variant type: single nucleotide variant.
Coding change: c.876+1G>C on transcript NM_000342.4 (MANE Select); the canonical splice donor site of the intron after coding-DNA position 876, G replaced by C.
Molecular consequence: splice donor variant.
Genome position (GRCh38, 1-based): chr17:44,259,162, C>G on the plus strand (G>C on the coding strand, the complement: SLC4A1 is on the minus strand). VCF-style: chr17-44259162-C-G. GRCh37 (hg19) VCF-style: chr17-42336530-C-G.
Other names: p.?.
Identifiers: ClinVar variation 4542174 (VCV004542174.2).

ClinVar aggregate classification (germline): Conflicting classifications of pathogenicity. Review status: criteria provided, conflicting classifications (1 of 4 stars). 2 submissions from 2 submitters: Pathogenic (1); Uncertain significance (1). Last evaluated 2025-04-21.

Submissions (2):

ARUP Laboratories, Molecular Genetics and Genomics, ARUP Laboratories
Classification: Pathogenic. Last evaluated: 2025-04-21. Review status: criteria provided, single submitter. Criteria: ARUP Molecular Germline Variant Investigation Process 2024. Collection method: clinical testing. Allele origin: germline.
Comment: The SLC4A1 c.876+1G>C variant, to our knowledge, is not reported in the medical literature or gene specific databases. This variant is also absent from the Genome Aggregation Database (v2.1.1), indicating it is not a common polymorphism. This variant disrupts the canonical splice donor site of intron 9, which is likely to negatively impact gene function. Based on available information, this variant is considered to be pathogenic.

Mayo Clinic Laboratories, Mayo Clinic
Classification: Uncertain significance. Last evaluated: 2024-10-30. Review status: criteria provided, single submitter. Criteria: ACMG Guidelines, 2015. Collection method: clinical testing. Allele origin: germline. Observed: 1 variant allele.